The following is an entry in ClinVar:

NM_003743.5(NCOA1):c.2459C>T (p.Thr820Met)

Gene: NCOA1 (nuclear receptor coactivator 1; plus strand). Cytogenetic location: 2p23.3.
Variant type: single nucleotide variant.
Coding change: c.2459C>T on transcript NM_003743.5 (MANE Select); coding-DNA position 2459, C replaced by T.
Protein change: p.Thr820Met; replaces threonine 820 with methionine.
Molecular consequence: missense variant.
Genome position (GRCh38, 1-based): chr2:24,710,971, C>T. VCF-style: chr2-24710971-C-T. GRCh37 (hg19) VCF-style: chr2-24933840-C-T.
Other names: c.2459C>T, p.Thr820Met (NM_001362950.1, NM_001362952.1, NM_001362954.1 and 3 more transcripts); short protein forms T820M.
Identifiers: ClinVar variation 4977799 (VCV004977799.1).

ClinVar aggregate classification (germline): Uncertain significance (1 of 4 stars; one submission).

Conditions:
NCOA1-related disorder. Also called: NCOA1-related condition.

gnomAD v4.1: 45 of 1,614,114 alleles (0.0028%); highest among the groups gnomAD compares: Non-Finnish European, 0.0037%; no homozygotes.

Submission:

PreventionGenetics, part of Exact Sciences
Classification: Uncertain significance for NCOA1-related condition. Last evaluated: 2026-06-22. Review status: criteria provided, single submitter. Criteria: ACMG Guidelines, 2015. Collection method: clinical testing. Allele origin: germline.
Comment: The NCOA1 c.2459C>T variant is predicted to result in the amino acid substitution p.Thr820Met. To our knowledge, this variant has not been reported in the literature. This variant is reported in 0.0018% of alleles in individuals of European (Non-Finnish) descent in gnomAD. At this time, the clinical significance of this variant is uncertain due to the absence of conclusive functional and genetic evidence.